The following is an entry in ClinVar:

ClinVar aggregate classification (germline): Likely benign. Review status: criteria provided, multiple submitters, no conflicts (2 of 4 stars). 2 submissions from 2 submitters: Likely benign (2). Last evaluated 2018-06-14.

Allele frequency attached by ClinVar (database versions not stated): gnomAD exomes 0.00199; ExAC 0.00220; gnomAD 0.00670 and 0.00706; TOPMed 0.00729; 1000 Genomes Project 0.00799; 1000 Genomes Project 30x 0.00843.
gnomAD v4.1: 1,831 of 1,474,482 alleles (0.12%); highest among the groups gnomAD compares: African/African-American, 2.3%; 33 homozygotes.

Submissions (2):

GeneDx
Classification: Likely benign. Last evaluated: 2018-06-14. Review status: criteria provided, single submitter. Criteria: GeneDx Variant Classification (06012015). Collection method: clinical testing. Allele origin: germline. Affected: yes.
Comment: This variant is considered likely benign or benign based on one or more of the following criteria: it is a conservative change, it occurs at a poorly conserved position in the protein, it is predicted to be benign by multiple in silico algorithms, and/or has population frequency not consistent with disease.

Breakthrough Genomics
Classification: Likely benign. Review status: criteria provided, single submitter. Criteria: ACMG Guidelines, 2015. Collection method: not provided. Allele origin: germline. Inheritance: Autosomal recessive inheritance. Affected: yes.

NM_015971.4(MRPS7):c.84-80C>T

Gene: MRPS7 (mitochondrial ribosomal protein S7; plus strand). Cytogenetic location: 17q25.1.
Variant type: single nucleotide variant.
Coding change: c.84-80C>T on transcript NM_015971.4 (MANE Select); 80 bases into the intron before coding-DNA position 84, C replaced by T.
Molecular consequence: intron variant.
Genome position (GRCh38, 1-based): chr17:75,262,417, C>T. VCF-style: chr17-75262417-C-T. GRCh37 (hg19) VCF-style: chr17-73258498-C-T.
Identifiers: ClinVar variation 678338 (VCV000678338.2), dbSNP rs62623397, ClinGen allele CA8760254.
Genomic context (GRCh38, chr17:75,262,417, plus strand): 5'-TTGTTGTGGCTCAGGTTTAGCTCGCGGTCTCCGCGCCGCTCCCCCTCGTCGGCGCGTTGG[C>T]AGTCATGCCTATTGTTAAGTCAAACCTACTCGCTTGTGGAGTCAGCTTTTGCCTGCCTCC-3'